The following is an entry in ClinVar:

ClinVar aggregate classification (germline): Uncertain significance (1 of 4 stars; one submission).

Conditions:
Alopecia-intellectual disability syndrome 4. Also called: ALOPECIA-MENTAL RETARDATION SYNDROME 4. Identifiers: MedGen C5394241, MONDO:0030009, OMIM 618840.

Allele frequency attached by ClinVar (database versions not stated): gnomAD exomes below 0.00001.
gnomAD v4.1: 2 of 1,613,902 alleles (0.00012%); highest among the groups gnomAD compares: South Asian, 0.0011%; no homozygotes.

Submission:

New York Genome Center
Classification: Uncertain significance for Alopecia-intellectual disability syndrome 4. Last evaluated: 2022-02-05. Review status: criteria provided, single submitter. Criteria: NYGC Assertion Criteria 2020. Collection method: clinical testing. Allele origin: inherited. Observed: 1 compound heterozygote. Study: CSER-NYCKidSeq.
Comment: The inherited heterozygous c.1194G>A, p.Glu398= synonymous variant identified in the LSS gene has not been reported in affected individuals in the literature or in the ClinVar database. The variant is absent from gnomAD(v3) database suggesting it is not a common benign variant in the populations represented in that database. The variant is located at the last base of the exon 12 (of 22) and it is predicted by multiple in silico tools to alter the wild-type mRNA splicing (TRAP score = 0.989, Donor Loss SpliceAI score = 0.62). Based on the available evidence, the inherited heterozygous c.1194G>A, p.Glu398= synonymous variant identified in the LSS gene is reported as a Variant of Uncertain Significance.

NM_002340.6(LSS):c.1194G>A (p.Glu398=)

Gene: LSS (lanosterol synthase; minus strand). Cytogenetic location: 21q22.3.
Variant type: single nucleotide variant.
Coding change: c.1194G>A on transcript NM_002340.6 (MANE Select); coding-DNA position 1194, G replaced by A.
Protein change: p.Glu398=; no amino-acid change (glutamic acid 398 retained).
Molecular consequence: synonymous variant.
Genome position (GRCh38, 1-based): chr21:46,210,688, C>T on the plus strand (G>A on the coding strand, the complement: LSS is on the minus strand). VCF-style: chr21-46210688-C-T. GRCh37 (hg19) VCF-style: chr21-47630602-C-T.
Other names: c.1194G>A, p.Glu398= (NM_001001438.3); c.1161G>A, p.Glu387= (NM_001145436.2); c.954G>A, p.Glu318= (NM_001145437.2).
Identifiers: ClinVar variation 1701718 (VCV001701718.1), dbSNP rs2123731194, ClinGen allele CA512728286.
Genomic context (GRCh38, chr21:46,210,688, plus strand): 5'-CGTGGGCTCACGTGCACAGGAAGGTCAGCTGAGGCTGAGAAAAGAGAAGGAGCCACGAAC[C>T]TCAAGCAGAGCCTGGATGGCGAATGCGGTGTCCCAGATCTGTGAGCCGTTGGTGCCCTAC-3'
Protein context (NP_002331.3, residues 388-408): DTAFAIQALL[Glu398=]AGGHHRPEFS